The following is an entry in ClinVar:

ClinVar aggregate classification (germline): Pathogenic (1 of 4 stars; one submission).

Conditions:
Congenital hyperammonemia, type I. Also called: CPS I DEFICIENCY; Carbamoyl phosphate synthetase 1 deficiency; Hyperammonemia due to carbamoyl phosphate synthetase 1 deficiency; CPS 1 deficiency; Carbamyl phosphate synthetase (CPS) deficiency; Carbamoyl phosphate synthetase I deficiency disease. Identifiers: Orphanet 147, MedGen C4082171, MONDO:0009376, OMIM 237300.

Submission:

Myriad Genetics, Inc.
Classification: Pathogenic for Congenital hyperammonemia, type I. Last evaluated: 2024-06-20. Review status: criteria provided, single submitter. Criteria: Myriad Autosomal Dominant, Autosomal Recessive and X-Linked Classification Criteria (2023). Collection method: clinical testing. Allele origin: unknown.
Comment: NM_001875.4(CPS1):c.562C>T(Q188*) is expected to be pathogenic in the context of carbamoylphosphate synthetase I deficiency. This variant is predicted to lead to an abnormal or absent protein product due to the creation of a premature termination codon in CPS1, a gene where loss-of-function variants are known to be pathogenic. Please note: this variant was assessed in the context of healthy population screening.

NM_001875.5(CPS1):c.562C>T (p.Gln188Ter)

Gene: CPS1 (carbamoyl-phosphate synthase 1; plus strand). Cytogenetic location: 2q34.
Variant type: single nucleotide variant.
Coding change: c.562C>T on transcript NM_001875.5 (MANE Select); coding-DNA position 562, C replaced by T.
Protein change: p.Gln188Ter; replaces glutamine 188 with a stop codon.
Molecular consequence: nonsense. On other transcripts: non-coding transcript variant (1).
Genome position (GRCh38, 1-based): chr2:210,582,650, C>T. VCF-style: chr2-210582650-C-T. GRCh37 (hg19) VCF-style: chr2-211447374-C-T.
Other names: c.562C>T, p.Gln188Ter (NM_001122633.3, NM_001369257.1); c.595C>T, p.Gln199Ter (NM_001369256.1); short protein forms Q188*, Q199*.
Identifiers: ClinVar variation 5013926 (VCV005013926.1).
Genomic context (GRCh38, chr2:210,582,650, plus strand): 5'-AACTGTCTAATTTTTTTAATTTGATAGGGTACCATGCTTGGGAAGATTGAATTTGAAGGT[C>T]AGCCTGTGGATTTTGTGGATCCAAATAAACAGAATTTGATTGCTGAGGTTTCAACCAAGG-3'